The following is an entry in ClinVar:

ClinVar aggregate classification (germline): Uncertain significance. Review status: criteria provided, multiple submitters, no conflicts (2 of 4 stars). 3 submissions from 3 submitters: Uncertain significance (3). Last evaluated 2025-07-02.

Conditions:
Inborn genetic diseases. Identifiers: MedGen C0950123, MeSH D030342.

Allele frequency attached by ClinVar (database versions not stated): gnomAD 0.00001; ExAC 0.00002; TOPMed 0.00002; ESP Exome Variant Server 0.00008.

Submissions (3):

Ambry Genetics
Classification: Uncertain significance for Inborn genetic diseases. Last evaluated: 2025-07-02. Review status: criteria provided, single submitter. Criteria: Ambry Variant Classification Scheme 2023. Collection method: clinical testing. Allele origin: germline.

Labcorp Genetics (formerly Invitae), Labcorp
Classification: Uncertain significance. Last evaluated: 2022-07-02. Review status: criteria provided, single submitter. Criteria: Invitae Variant Classification Sherloc (09022015). Collection method: clinical testing. Allele origin: germline.
Comment: Algorithms developed to predict the effect of missense changes on protein structure and function are either unavailable or do not agree on the potential impact of this missense change (SIFT: "Deleterious"; PolyPhen-2: "Probably Damaging"; Align-GVGD: "Class C0"). In summary, the available evidence is currently insufficient to determine the role of this variant in disease. Therefore, it has been classified as a Variant of Uncertain Significance. ClinVar contains an entry for this variant (Variation ID: 498309). This variant has not been reported in the literature in individuals affected with CABP4-related conditions. This variant is present in population databases (rs375231392, gnomAD 0.0009%). This sequence change replaces leucine, which is neutral and non-polar, with phenylalanine, which is neutral and non-polar, at codon 170 of the CABP4 protein (p.Leu170Phe).

Eurofins Ntd Llc (ga)
Classification: Uncertain significance. Last evaluated: 2016-11-17. Review status: criteria provided, single submitter. Criteria: EGL Classification Definitions 2015. Collection method: clinical testing. Allele origin: germline. Observed: 1 variant allele, 1 heterozygote.

NM_145200.5(CABP4):c.508C>T (p.Leu170Phe)

Gene: CABP4 (calcium binding protein 4; plus strand). Cytogenetic location: 11q13.2.
Variant type: single nucleotide variant.
Coding change: c.508C>T on transcript NM_145200.5 (MANE Select); coding-DNA position 508, C replaced by T.
Protein change: p.Leu170Phe; replaces leucine 170 with phenylalanine.
Molecular consequence: missense variant.
Genome position (GRCh38, 1-based): chr11:67,456,409, C>T. VCF-style: chr11-67456409-C-T. GRCh37 (hg19) VCF-style: chr11-67223880-C-T.
Other names: c.193C>T, p.Leu65Phe (NM_001300895.3, NM_001300896.3, NM_001379183.1); short protein forms L170F, L65F.
Identifiers: ClinVar variation 498309 (VCV000498309.15), dbSNP rs375231392, ClinGen allele CA6140240.